The following is an entry in ClinVar:

NC_000022.11:g.(?_28709996)_(28725377_?)dup

Gene: CHEK2 (checkpoint kinase 2; minus strand). Cytogenetic location: 22q12.1.
Variant type: Duplication.
Identifiers: ClinVar variation 830466 (VCV000830466.6).

ClinVar aggregate classification (germline): Likely pathogenic (1 of 4 stars; one submission).

Conditions:
Familial cancer of breast. Also called: BREAST CANCER, FAMILIAL; Hereditary breast cancer; hereditary breast carcinoma. Identifiers: Orphanet 227535, MedGen C0346153, MONDO:0016419, OMIM 114480. Disease mechanism: loss of function.

Submission:

Labcorp Genetics (formerly Invitae), Labcorp
Classification: Likely pathogenic for Familial cancer of breast. Last evaluated: 2020-10-12. Review status: criteria provided, single submitter. Criteria: Invitae Variant Classification Sherloc (09022015). Collection method: clinical testing. Allele origin: germline.
Comment: In summary, the currently available evidence indicates that the variant is pathogenic, but additional data are needed to prove that conclusively. Therefore, this variant has been classified as Likely Pathogenic. Loss-of-function variants in CHEK2 are known to be pathogenic (PMID: 21876083, 24713400). This variant has not been reported in the literature in individuals with CHEK2-related conditions. This variant results in a copy number gain of the genomic region encompassing exons 3-7 of the CHEK2 gene. While the exact position of this variant cannot be determined from this data, sub-genic copy number gains are generally in tandem (PMID: 25640679) and may result in an absent or disrupted protein product.

Literature cited by the submitters: PubMed 21876083; PubMed 24713400; PubMed 25640679.